The following is an entry in ClinVar:

ClinVar aggregate classification (germline): Uncertain significance (1 of 4 stars; one submission).

Conditions:
Long QT syndrome (LQTS). Identifiers: MedGen C0023976, MeSH D008133, MONDO:0002442. Disease mechanism: loss of function. Inheritance: Various modes of inheritance.

gnomAD v4.1: 2 of 1,582,558 alleles (0.00013%); highest among the groups gnomAD compares: Non-Finnish European, 0.00017%; no homozygotes.

Submission:

Labcorp Genetics (formerly Invitae), Labcorp
Classification: Uncertain significance for Long QT syndrome. Last evaluated: 2025-07-08. Review status: criteria provided, single submitter. Criteria: Invitae Variant Classification Sherloc (09022015). Collection method: clinical testing. Allele origin: germline.
Comment: This sequence change replaces valine, which is neutral and non-polar, with phenylalanine, which is neutral and non-polar, at codon 2615 of the AKAP9 protein (p.Val2615Phe). This variant is not present in population databases (gnomAD no frequency). This variant has not been reported in the literature in individuals affected with AKAP9-related conditions. An algorithm developed to predict the effect of missense changes on protein structure and function (PolyPhen-2) suggests that this variant is likely to be tolerated. In summary, the available evidence is currently insufficient to determine the role of this variant in disease. Therefore, it has been classified as a Variant of Uncertain Significance.

NM_005751.5(AKAP9):c.7843G>T (p.Val2615Phe)

Gene: AKAP9 (A-kinase anchoring protein 9; plus strand). Cytogenetic location: 7q21.2.
Variant type: single nucleotide variant.
Coding change: c.7843G>T on transcript NM_005751.5 (MANE Select); coding-DNA position 7843, G replaced by T.
Protein change: p.Val2615Phe; replaces valine 2615 with phenylalanine.
Molecular consequence: missense variant.
Genome position (GRCh38, 1-based): chr7:92,079,976, G>T. VCF-style: chr7-92079976-G-T. GRCh37 (hg19) VCF-style: chr7-91709290-G-T.
Other names: c.2488G>T, p.Val830Phe (NM_001379277.1); c.7819G>T, p.Val2607Phe (NM_147185.3); short protein forms V2607F, V830F, V2615F.
Identifiers: ClinVar variation 4705408 (VCV004705408.1).